The following is an entry in ClinVar:

NM_000891.3(KCNJ2):c.1010A>G (p.Tyr337Cys)

Gene: KCNJ2 (potassium inwardly rectifying channel subfamily J member 2; plus strand). Cytogenetic location: 17q24.3.
Variant type: single nucleotide variant.
Coding change: c.1010A>G on transcript NM_000891.3 (MANE Select); coding-DNA position 1010, A replaced by G.
Protein change: p.Tyr337Cys; replaces tyrosine 337 with cysteine.
Molecular consequence: missense variant.
Genome position (GRCh38, 1-based): chr17:70,176,049, A>G. VCF-style: chr17-70176049-A-G. GRCh37 (hg19) VCF-style: chr17-68172190-A-G.
Other names: short protein forms Y337C.
Identifiers: ClinVar variation 2049639 (VCV002049639.4), dbSNP rs2509921620, ClinGen allele CA400863082.

ClinVar aggregate classification (germline): Uncertain significance (1 of 4 stars; one submission).

Conditions:
Andersen Tawil syndrome (LQT7). Also called: Andersen Syndrome; Potassium-sensitive periodic paralysis, ventricular ectopy, and dysmorphic features; LONG QT SYNDROME 7; PERIODIC PARALYSIS, POTASSIUM-SENSITIVE CARDIODYSRHYTHMIC TYPE; ANDERSEN CARDIODYSRHYTHMIC PERIODIC PARALYSIS. Identifiers: Orphanet 37553, MedGen C1563715, MONDO:0008222, OMIM 170390.
Short QT syndrome type 3. Identifiers: Orphanet 51083, MedGen C1865018, MONDO:0012314, OMIM 609622.

Submission:

Labcorp Genetics (formerly Invitae), Labcorp
Classification: Uncertain significance for Short QT syndrome type 3; Andersen Tawil syndrome. Last evaluated: 2021-12-20. Review status: criteria provided, single submitter. Criteria: Invitae Variant Classification Sherloc (09022015). Collection method: clinical testing. Allele origin: germline.
Comment: In summary, the available evidence is currently insufficient to determine the role of this variant in disease. Therefore, it has been classified as a Variant of Uncertain Significance. Algorithms developed to predict the effect of missense changes on protein structure and function (SIFT, PolyPhen-2, Align-GVGD) all suggest that this variant is likely to be disruptive. This variant has not been reported in the literature in individuals affected with KCNJ2-related conditions. This variant is not present in population databases (gnomAD no frequency). This sequence change replaces tyrosine, which is neutral and polar, with cysteine, which is neutral and slightly polar, at codon 337 of the KCNJ2 protein (p.Tyr337Cys).